The following is an entry in ClinVar:

ClinVar aggregate classification (germline): Likely pathogenic (1 of 4 stars; one submission).

Conditions:
HYPERHOMOCYSTEINEMIA, THROMBOTIC, CBS-RELATED. Identifiers: MedGen C3150344, OMIM 236200.

Submission:

Labcorp Genetics (formerly Invitae), Labcorp
Classification: Likely pathogenic for HYPERHOMOCYSTEINEMIA, THROMBOTIC, CBS-RELATED. Last evaluated: 2024-02-03. Review status: criteria provided, single submitter. Criteria: Invitae Variant Classification Sherloc (09022015). Collection method: clinical testing. Allele origin: germline.
Comment: This sequence change replaces aspartic acid, which is acidic and polar, with asparagine, which is neutral and polar, at codon 47 of the CBS protein (p.Asp47Asn). This variant is not present in population databases (gnomAD no frequency). This variant has not been reported in the literature in individuals affected with CBS-related conditions. ClinVar contains an entry for this variant (Variation ID: 1973041). Advanced modeling of protein sequence and biophysical properties (such as structural, functional, and spatial information, amino acid conservation, physicochemical variation, residue mobility, and thermodynamic stability) performed at Invitae indicates that this missense variant is expected to disrupt CBS protein function with a positive predictive value of 95%. This variant disrupts the p.Asp47 amino acid residue in CBS. Other variant(s) that disrupt this residue have been determined to be pathogenic (PMID: 22353391). This suggests that this residue is clinically significant, and that variants that disrupt this residue are likely to be disease-causing. In summary, the currently available evidence indicates that the variant is pathogenic, but additional data are needed to prove that conclusively. Therefore, this variant has been classified as Likely Pathogenic.

Literature cited by the submitters: PubMed 22353391.

NM_000071.3(CBS):c.139G>A (p.Asp47Asn)

Gene: CBS (cystathionine beta-synthase; minus strand). Cytogenetic location: 21q22.3.
Variant type: single nucleotide variant.
Coding change: c.139G>A on transcript NM_000071.3 (MANE Select); coding-DNA position 139, G replaced by A.
Protein change: p.Asp47Asn; replaces aspartic acid 47 with asparagine.
Molecular consequence: missense variant.
Genome position (GRCh38, 1-based): chr21:43,072,055, C>T on the plus strand (G>A on the coding strand, the complement: CBS is on the minus strand). VCF-style: chr21-43072055-C-T. GRCh37 (hg19) VCF-style: chr21-44492165-C-T.
Other names: c.139G>A, p.Asp47Asn (NM_001178008.3, NM_001178009.3, NM_001320298.2); short protein forms D47N.
Identifiers: ClinVar variation 1973041 (VCV001973041.5), dbSNP rs2517483238, ClinGen allele CA410602367.